The following is an entry in ClinVar:

ClinVar aggregate classification (germline): Uncertain significance. Review status: criteria provided, multiple submitters, no conflicts (2 of 4 stars). 2 submissions from 2 submitters: Uncertain significance (2). Last evaluated 2025-05-17.

Conditions:
Inborn genetic diseases. Identifiers: MedGen C0950123, MeSH D030342.

Allele frequency attached by ClinVar (database versions not stated): gnomAD exomes 0.00002; ExAC 0.00003; TOPMed 0.00004; gnomAD 0.00005; 1000 Genomes Project 30x 0.00047; 1000 Genomes Project 0.00060.
gnomAD v4.1: 38 of 1,613,898 alleles (0.0024%); highest among the groups gnomAD compares: East Asian, 0.053%; no homozygotes.

Submissions (2):

Ambry Genetics
Classification: Uncertain significance for Inborn genetic diseases. Last evaluated: 2025-05-17. Review status: criteria provided, single submitter. Criteria: Ambry Variant Classification Scheme 2023. Collection method: clinical testing. Allele origin: germline.

Labcorp Genetics (formerly Invitae), Labcorp
Classification: Uncertain significance. Last evaluated: 2025-04-07. Review status: criteria provided, single submitter. Criteria: Invitae Variant Classification Sherloc (09022015). Collection method: clinical testing. Allele origin: germline.
Comment: This sequence change replaces arginine, which is basic and polar, with glutamine, which is neutral and polar, at codon 244 of the TNFRSF9 protein (p.Arg244Gln). This variant is present in population databases (rs554909019, gnomAD 0.09%). This variant has not been reported in the literature in individuals affected with TNFRSF9-related conditions. ClinVar contains an entry for this variant (Variation ID: 1913419). An algorithm developed to predict the effect of missense changes on protein structure and function outputs the following: PolyPhen-2: "Benign". The glutamine amino acid residue is found in multiple mammalian species, which suggests that this missense change does not adversely affect protein function. In summary, the available evidence is currently insufficient to determine the role of this variant in disease. Therefore, it has been classified as a Variant of Uncertain Significance.

NM_001561.6(TNFRSF9):c.731G>A (p.Arg244Gln)

Gene: TNFRSF9 (TNF receptor superfamily member 9; minus strand). Cytogenetic location: 1p36.23.
Variant type: single nucleotide variant.
Coding change: c.731G>A on transcript NM_001561.6 (MANE Select); coding-DNA position 731, G replaced by A.
Protein change: p.Arg244Gln; replaces arginine 244 with glutamine.
Molecular consequence: missense variant.
Genome position (GRCh38, 1-based): chr1:7,920,872, C>T on the plus strand (G>A on the coding strand, the complement: TNFRSF9 is on the minus strand). VCF-style: chr1-7920872-C-T. GRCh37 (hg19) VCF-style: chr1-7980932-C-T.
Other names: c.731G>A (NM_001561.5); short protein forms R244Q.
Identifiers: ClinVar variation 1913419 (VCV001913419.4), dbSNP rs554909019, ClinGen allele CA569115.
Genomic context (GRCh38, chr1:7,920,872, plus strand): 5'-CAACAGCCCTATTGACTTCCATTTCACAGTTCACATCCTCCTTCTTCTTCTTCTGGAAAT[C>T]GGCAGCTACAGCCATCTTCCTCTTGAGTAGTTTGTACTGGTCTCATAAATGCTAAAAAAA-3'
Protein context (NP_001552.2, residues 234-254): TTQEEDGCSC[Arg244Gln]FPEEEEGGCE